The following is an entry in ClinVar:

NM_014423.4(AFF4):c.830G>C (p.Ser277Thr)

Gene: AFF4 (ALF transcription elongation factor 4; minus strand). Cytogenetic location: 5q31.1.
Variant type: single nucleotide variant.
Coding change: c.830G>C on transcript NM_014423.4 (MANE Select); coding-DNA position 830, G replaced by C.
Protein change: p.Ser277Thr; replaces serine 277 with threonine.
Molecular consequence: missense variant.
Genome position (GRCh38, 1-based): chr5:132,934,235, C>G on the plus strand (G>C on the coding strand, the complement: AFF4 is on the minus strand). VCF-style: chr5-132934235-C-G. GRCh37 (hg19) VCF-style: chr5-132269927-C-G.
Other names: short protein forms S277T.
Identifiers: ClinVar variation 766774 (VCV000766774.34), dbSNP rs141068875, ClinGen allele CA3409367.

ClinVar aggregate classification (germline): Benign/Likely benign. Review status: criteria provided, multiple submitters, no conflicts (2 of 4 stars). 9 submissions from 9 submitters: Benign (2); Likely benign (7). Last evaluated 2026-07-01.

Conditions:
AFF4-related disorder. Also called: AFF4-related condition.
Inborn genetic diseases. Identifiers: MedGen C0950123, MeSH D030342.
Cognitive impairment - coarse facies - heart defects - obesity - pulmonary involvement - short stature - skeletal dysplasia syndrome. Also called: COGNITIVE IMPAIRMENT, COARSE FACIES, HEART DEFECTS, OBESITY, PULMONARY INVOLVEMENT, SHORT STATURE, AND SKELETAL DYSPLASIA; Chops syndrome; AFF4-Related CHOPS Syndrome. Identifiers: Orphanet 444077, MedGen C4085597, MONDO:0014609, OMIM 616368.

Allele frequency attached by ClinVar (database versions not stated): gnomAD exomes 0.00055; ExAC 0.00060; TOPMed 0.00065; gnomAD 0.00073; ESP Exome Variant Server 0.00123.
gnomAD v4.1: 1,321 of 1,614,064 alleles (0.082%); highest among the groups gnomAD compares: Non-Finnish European, 0.11%; 1 homozygote.

Submissions (9):

CeGaT Center for Human Genetics Tuebingen
Classification: Likely benign. Last evaluated: 2026-07-01. Review status: criteria provided, single submitter. Criteria: CeGaT Center For Human Genetics Tuebingen Variant Classification Criteria Version 2. Collection method: clinical testing. Allele origin: germline. Affected: yes. Observed: 3 variant alleles.
Comment: AFF4: BP4, BS1

Labcorp Genetics (formerly Invitae), Labcorp
Classification: Likely benign for Cognitive impairment - coarse facies - heart defects - obesity - pulmonary involvement - short stature - skeletal dysplasia syndrome. Last evaluated: 2025-12-19. Review status: criteria provided, single submitter. Criteria: Invitae Variant Classification Sherloc (09022015). Collection method: clinical testing. Allele origin: germline.

PreventionGenetics, part of Exact Sciences
Classification: Likely benign for AFF4-related condition. Last evaluated: 2025-07-15. Review status: criteria provided, single submitter. Criteria: ACMG Guidelines, 2015. Collection method: clinical testing. Allele origin: germline.
Comment: This variant is classified as likely benign based on ACMG/AMP sequence variant interpretation guidelines (Richards et al. 2015 PMID: 25741868, with internal and published modifications).

Laboratory of Genetics, Children's Clinical University Hospital Latvia
Classification: Likely benign. Last evaluated: 2025-02-16. Review status: criteria provided, single submitter. Criteria: ACMG Guidelines, 2015. Collection method: clinical testing. Allele origin: germline. Affected: yes.

Blueprint Genetics
Classification: Likely benign. Last evaluated: 2024-11-08. Review status: criteria provided, single submitter. Criteria: ACMG Guidelines, 2015. Collection method: clinical testing. Allele origin: germline.

Genome-Nilou Lab
Classification: Benign for Cognitive impairment - coarse facies - heart defects - obesity - pulmonary involvement - short stature - skeletal dysplasia syndrome. Last evaluated: 2021-12-05. Review status: criteria provided, single submitter. Criteria: ACMG Guidelines, 2015. Collection method: clinical testing. Allele origin: germline. Affected: no.

Ambry Genetics
Classification: Likely benign for Inborn genetic diseases. Last evaluated: 2021-11-30. Review status: criteria provided, single submitter. Criteria: Ambry Variant Classification Scheme 2023. Collection method: clinical testing. Allele origin: germline.

Genetic Services Laboratory, University of Chicago
Classification: Benign. Last evaluated: 2018-08-28. Review status: criteria provided, single submitter. Criteria: ACMG Guidelines, 2015. Collection method: clinical testing. Allele origin: germline. Affected: no.

Breakthrough Genomics
Classification: Likely benign. Review status: criteria provided, single submitter. Criteria: ACMG Guidelines, 2015. Collection method: not provided. Allele origin: germline. Inheritance: Autosomal dominant inheritance. Affected: yes.